The following is an entry in ClinVar:

NM_015909.4(NBAS):c.2411A>G (p.Glu804Gly)

Gene: NBAS (NBAS subunit of NRZ tethering complex; minus strand). Cytogenetic location: 2p24.3.
Variant type: single nucleotide variant.
Coding change: c.2411A>G on transcript NM_015909.4 (MANE Select); coding-DNA position 2411, A replaced by G.
Protein change: p.Glu804Gly; replaces glutamic acid 804 with glycine.
Molecular consequence: missense variant. On other transcripts: non-coding transcript variant (1).
Genome position (GRCh38, 1-based): chr2:15,427,723, T>C on the plus strand (A>G on the coding strand, the complement: NBAS is on the minus strand). VCF-style: chr2-15427723-T-C. GRCh37 (hg19) VCF-style: chr2-15567847-T-C.
Other names: short protein forms E804G.
Identifiers: ClinVar variation 873540 (VCV000873540.10), dbSNP rs1677547983, ClinGen allele CA345891319.

ClinVar aggregate classification (germline): Conflicting classifications of pathogenicity. Review status: criteria provided, conflicting classifications (1 of 4 stars). 4 submissions from 4 submitters: Likely pathogenic (1); Uncertain significance (3). Last evaluated 2025-10-18.

Conditions:
NBAS-related disorder. Also called: NBAS-related condition.
Short stature-optic atrophy-Pelger-Huët anomaly syndrome. Also called: Short stature, optic nerve atrophy, and Pelger-Huet anomaly; Short stature-optic atrophy-Pelger-HuC+t anomaly syndrome. Identifiers: Orphanet 391677, MedGen C3541319, MONDO:0013889, OMIM 614800.
Infantile liver failure syndrome 2 (ILFS2). Identifiers: MedGen C3809651, MONDO:0014659, OMIM 616483.

Allele frequency attached by ClinVar (database versions not stated): gnomAD exomes below 0.00001; TOPMed below 0.00001; gnomAD 0.00001.
gnomAD v4.1: 6 of 1,612,234 alleles (0.00037%); highest among the groups gnomAD compares: Non-Finnish European, 0.00051%; no homozygotes.

Submissions (4):

PreventionGenetics, part of Exact Sciences
Classification: Uncertain significance for NBAS-related condition. Last evaluated: 2025-10-18. Review status: criteria provided, single submitter. Criteria: ACMG Guidelines, 2015. Collection method: clinical testing. Allele origin: germline.
Comment: The NBAS c.2411A>G variant is predicted to result in the amino acid substitution p.Glu804Gly. This variant has been reported in the compound heterozygous state in a deceased infant with a complex phenotype, including placental-related severe intrauterine growth restriction, post-natal growth failure with spontaneous bone fractures, and lethal bronchopulmonary dysplasia with pulmonary hypertension; this individual was also hemizygous for a CUL4B nonsense variant (Ritelli et al. 2020. PubMed ID: 32768688). The compound heterozygous NBAS variants were thought to be associated with bone homeostasis experienced by this infant, whereas a causative variant in CUL4B was proposed to be associated with other clinical features. This variant is predicted to alter splicing based on available splicing prediction programs (SpliceAI, Jaganathan et al. 2019. PubMed ID: 30661751). Functional studies demonstrate this variant alters protein localization (Ritelli et al. 2020. PubMed ID: 32768688). This variant is absent in a large population database (gnomAD), indicating this variant is rare. Although we suspect that this variant may be pathogenic, at this time, the clinical significance of this variant is uncertain due to the absence of conclusive functional and genetic evidence.

Women's Health and Genetics/Laboratory Corporation of America, LabCorp
Classification: Uncertain significance. Last evaluated: 2024-09-12. Review status: criteria provided, single submitter. Criteria: LabCorp Variant Classification Summary - May 2015. Collection method: clinical testing. Allele origin: germline.
Comment: Variant summary: NBAS c.2411A>G (p.Glu804Gly) results in a non-conservative amino acid change in the encoded protein sequence. Three of five in-silico tools predict a benign effect of the variant on protein function. The variant was absent in 249918 control chromosomes. The available data on variant occurrences in the general population are insufficient to allow any conclusion about variant significance. c.2411A>G has been reported in the literature in at least one individual affected with SOPH syndrome (e.g. Ritelli_2020). This report does not provide unequivocal conclusions about association of the variant with Liver Failure Acute Infantile, Type 2. One publication reports experimental evidence evaluating an impact on protein function, specifically, altered subcellular lozaization, however, does not allow convincing conclusions about the variant effect (e.g. Ritelli_2020). ClinVar contains an entry for this variant (Variation ID: 873540). Based on the evidence outlined above, the variant was classified as uncertain significance.

Labcorp Genetics (formerly Invitae), Labcorp
Classification: Uncertain significance. Last evaluated: 2024-04-11. Review status: criteria provided, single submitter. Criteria: Invitae Variant Classification Sherloc (09022015). Collection method: clinical testing. Allele origin: germline.
Comment: This sequence change replaces glutamic acid, which is acidic and polar, with glycine, which is neutral and non-polar, at codon 804 of the NBAS protein (p.Glu804Gly). This variant is not present in population databases (gnomAD no frequency). This missense change has been observed in individual(s) with SOPH syndrome (PMID: 32768688). In at least one individual the data is consistent with being in trans (on the opposite chromosome) from a pathogenic variant. ClinVar contains an entry for this variant (Variation ID: 873540). Advanced modeling of protein sequence and biophysical properties (such as structural, functional, and spatial information, amino acid conservation, physicochemical variation, residue mobility, and thermodynamic stability) performed at Invitae indicates that this missense variant is not expected to disrupt NBAS protein function with a negative predictive value of 80%. Experimental studies have shown that this missense change affects NBAS function (PMID: 32768688). Algorithms developed to predict the effect of sequence changes on RNA splicing suggest that this variant may disrupt the consensus splice site. In summary, the available evidence is currently insufficient to determine the role of this variant in disease. Therefore, it has been classified as a Variant of Uncertain Significance.

Division of Biology and Genetics, University of Brescia
Classification: Likely pathogenic for Short stature-optic atrophy-Pelger-Huët anomaly syndrome; Infantile liver failure syndrome 2. Review status: criteria provided, single submitter. Criteria: ACMG Guidelines, 2015. Collection method: clinical testing. Allele origin: paternal. Inheritance: Autosomal recessive inheritance. Affected: yes. Observed: 1 compound heterozygote.
Comment: The p.Glu804Gly has not been previously described in literatura and is not reported in any population variant database. We conducted in vitro functional studies by site-directed mutagenesis and we provided evidence that the p.(Glu804Gly) variant affects different biological functions essential to the maintenance of intracellular homeostasis, i.e., the Golgi-to-endoplasmic reticulum retrograde vesicular trafficking and secretion of collagen, thereby, partly explaining the associated phenotype.

Literature cited by the submitters: PubMed 32768688 (cited by Women's Health and Genetics/Laboratory Corporation of America, LabCorp and Labcorp Genetics (formerly Invitae), Labcorp).